The following is an entry in ClinVar:

ClinVar aggregate classification (germline): Uncertain significance (1 of 4 stars; one submission).

Conditions:
Vitamin B2 deficiency. Identifiers: MedGen C0035528.

gnomAD v4.1: 1 of 1,614,034 alleles (0.000062%); highest among the groups gnomAD compares: East Asian, 0.0022%; no homozygotes.

Submission:

Labcorp Genetics (formerly Invitae), Labcorp
Classification: Uncertain significance for Vitamin B2 deficiency. Last evaluated: 2025-07-16. Review status: criteria provided, single submitter. Criteria: Invitae Variant Classification Sherloc (09022015). Collection method: clinical testing. Allele origin: germline.
Comment: This sequence change replaces alanine, which is neutral and non-polar, with threonine, which is neutral and polar, at codon 291 of the SLC52A1 protein (p.Ala291Thr). This variant is present in population databases (rs770890968, gnomAD 0.006%). This variant has not been reported in the literature in individuals affected with SLC52A1-related conditions. Invitae Evidence Modeling of protein sequence and biophysical properties (such as structural, functional, and spatial information, amino acid conservation, physicochemical variation, residue mobility, and thermodynamic stability) indicates that this missense variant is not expected to disrupt SLC52A1 protein function with a negative predictive value of 80%. In summary, the available evidence is currently insufficient to determine the role of this variant in disease. Therefore, it has been classified as a Variant of Uncertain Significance.

NM_017986.4(SLC52A1):c.871G>A (p.Ala291Thr)

Gene: SLC52A1 (solute carrier family 52 member 1; minus strand). Cytogenetic location: 17p13.2.
Variant type: single nucleotide variant.
Coding change: c.871G>A on transcript NM_017986.4 (MANE Select); coding-DNA position 871, G replaced by A.
Protein change: p.Ala291Thr; replaces alanine 291 with threonine.
Molecular consequence: missense variant.
Genome position (GRCh38, 1-based): chr17:5,033,618, C>T on the plus strand (G>A on the coding strand, the complement: SLC52A1 is on the minus strand). VCF-style: chr17-5033618-C-T. GRCh37 (hg19) VCF-style: chr17-4936913-C-T.
Other names: c.871G>A, p.Ala291Thr (NM_001104577.2); short protein forms A291T.
Identifiers: ClinVar variation 4693303 (VCV004693303.1).